The following is an entry in ClinVar:

ClinVar aggregate classification (germline): Uncertain significance (1 of 4 stars; one submission).

Conditions:
Fanconi anemia (FA). Also called: Fanconi's anemia. Identifiers: Orphanet 84, MedGen C0015625, MeSH D005199, MONDO:0019391.

gnomAD v4.1: 2 of 1,613,944 alleles (0.00012%); highest among the groups gnomAD compares: Non-Finnish European, 0.00017%; no homozygotes.

Submission:

Labcorp Genetics (formerly Invitae), Labcorp
Classification: Uncertain significance for Fanconi anemia. Last evaluated: 2023-08-10. Review status: criteria provided, single submitter. Criteria: Invitae Variant Classification Sherloc (09022015). Collection method: clinical testing. Allele origin: germline.
Comment: In summary, the available evidence is currently insufficient to determine the role of this variant in disease. Therefore, it has been classified as a Variant of Uncertain Significance. Algorithms developed to predict the effect of sequence changes on RNA splicing suggest that this variant may disrupt the consensus splice site. An algorithm developed to predict the effect of missense changes on protein structure and function (PolyPhen-2) suggests that this variant is likely to be disruptive. ClinVar contains an entry for this variant (Variation ID: 2156839). This variant has not been reported in the literature in individuals affected with FANCM-related conditions. This variant is not present in population databases (gnomAD no frequency). This sequence change replaces isoleucine, which is neutral and non-polar, with methionine, which is neutral and non-polar, at codon 1856 of the FANCM protein (p.Ile1856Met).

NM_020937.4(FANCM):c.5568C>G (p.Ile1856Met)

Gene: FANCM (FA complementation group M; plus strand). Cytogenetic location: 14q21.2.
Variant type: single nucleotide variant.
Coding change: c.5568C>G on transcript NM_020937.4 (MANE Select); coding-DNA position 5568, C replaced by G.
Protein change: p.Ile1856Met; replaces isoleucine 1856 with methionine.
Molecular consequence: missense variant.
Genome position (GRCh38, 1-based): chr14:45,196,399, C>G. VCF-style: chr14-45196399-C-G. GRCh37 (hg19) VCF-style: chr14-45665602-C-G.
Other names: c.5490C>G, p.Ile1830Met (NM_001308133.2); short protein forms I1830M, I1856M.
Identifiers: ClinVar variation 2156839 (VCV002156839.4), dbSNP rs771670832, ClinGen allele CA389586143.